The following is an entry in ClinVar:

NM_006129.5(BMP1):c.1045G>C (p.Val349Leu)

Gene: BMP1 (bone morphogenetic protein 1; plus strand). Cytogenetic location: 8p21.3.
Variant type: single nucleotide variant.
Coding change: c.1045G>C on transcript NM_006129.5 (MANE Select); coding-DNA position 1045, G replaced by C.
Protein change: p.Val349Leu; replaces valine 349 with leucine.
Molecular consequence: missense variant. On other transcripts: non-coding transcript variant (2).
Genome position (GRCh38, 1-based): chr8:22,180,451, G>C. VCF-style: chr8-22180451-G-C. GRCh37 (hg19) VCF-style: chr8-22037964-G-C.
Other names: c.1045G>C, p.Val349Leu (NM_001199.4); short protein forms V349L.
Identifiers: ClinVar variation 1356564 (VCV001356564.5), dbSNP rs143279632, ClinGen allele CA4664512.

ClinVar aggregate classification (germline): Uncertain significance (1 of 4 stars; one submission).

Allele frequency attached by ClinVar (database versions not stated): ESP Exome Variant Server 0.00008.
gnomAD v4.1: 11 of 1,613,780 alleles (0.00068%); highest among the groups gnomAD compares: Middle Eastern, 0.016%; no homozygotes.

Submission:

Labcorp Genetics (formerly Invitae), Labcorp
Classification: Uncertain significance. Last evaluated: 2021-08-31. Review status: criteria provided, single submitter. Criteria: Invitae Variant Classification Sherloc (09022015). Collection method: clinical testing. Allele origin: germline.
Comment: This sequence change replaces valine with leucine at codon 349 of the BMP1 protein (p.Val349Leu). The valine residue is highly conserved and there is a small physicochemical difference between valine and leucine. This variant is present in population databases (rs143279632, ExAC 0.003%). This variant has not been reported in the literature in individuals affected with BMP1-related conditions. Algorithms developed to predict the effect of missense changes on protein structure and function are either unavailable or do not agree on the potential impact of this missense change (SIFT: "Deleterious"; PolyPhen-2: "Benign"; Align-GVGD: "Class C25"). In summary, the available evidence is currently insufficient to determine the role of this variant in disease. Therefore, it has been classified as a Variant of Uncertain Significance.